The following is an entry in ClinVar:

NM_001287491.2(TET3):c.2437C>G (p.Leu813Val)

Gene: TET3 (tet methylcytosine dioxygenase 3; plus strand). Cytogenetic location: 2p13.1.
Variant type: single nucleotide variant.
Coding change: c.2437C>G on transcript NM_001287491.2 (MANE Select); coding-DNA position 2437, C replaced by G.
Protein change: p.Leu813Val; replaces leucine 813 with valine.
Molecular consequence: missense variant.
Genome position (GRCh38, 1-based): chr2:74,048,354, C>G. VCF-style: chr2-74048354-C-G. GRCh37 (hg19) VCF-style: chr2-74275481-C-G.
Other names: c.2158C>G, p.Leu720Val (NM_001366022.1); short protein forms L813V, L720V.
Identifiers: ClinVar variation 3731157 (VCV003731157.1).
Genomic context (GRCh38, chr2:74,048,354, plus strand): 5'-CCCACCCTCAGTGGCTTCTTGGAGTCACCTCTTAAGTACCTGGACACACCCACCAAGAGT[C>G]TGCTGGACACACCTGCCAAGAGAGCCCAGGCCGAGTTCCCCACCTGCGATTGCGTCGGTA-3'
Protein context (NP_001274420.1, residues 803-823): LKYLDTPTKS[Leu813Val]LDTPAKRAQA

ClinVar aggregate classification (germline): Uncertain significance (1 of 4 stars; one submission).

Submission:

GeneDx
Classification: Uncertain significance. Last evaluated: 2024-08-12. Review status: criteria provided, single submitter. Criteria: GeneDx Variant Classification Process June 2021. Collection method: clinical testing. Allele origin: germline. Affected: yes.
Comment: Not observed at significant frequency in large population cohorts (gnomAD); In silico analysis supports that this missense variant has a deleterious effect on protein structure/function; Has not been previously published as pathogenic or benign to our knowledge